The following is an entry in ClinVar:

NM_024577.4(SH3TC2):c.882C>T (p.Ser294=)

Gene: SH3TC2 (SH3 domain and tetratricopeptide repeats 2; minus strand). Cytogenetic location: 5q32.
Variant type: single nucleotide variant.
Coding change: c.882C>T on transcript NM_024577.4 (MANE Select); coding-DNA position 882, C replaced by T.
Protein change: p.Ser294=; no amino-acid change (serine 294 retained).
Molecular consequence: synonymous variant.
Genome position (GRCh38, 1-based): chr5:149,038,414, G>A on the plus strand (C>T on the coding strand, the complement: SH3TC2 is on the minus strand). VCF-style: chr5-149038414-G-A. GRCh37 (hg19) VCF-style: chr5-148417977-G-A.
Other names: c.882C>T (NM_024577.3).
Identifiers: ClinVar variation 1118668 (VCV001118668.10), dbSNP rs200091368, ClinGen allele CA128994968.
Genomic context (GRCh38, chr5:149,038,414, plus strand): 5'-ACTTGTCGACTTTCCAATGAACCACTGAAGCCCAGGTATGACAAAGCCGATGATCTCAAT[G>A]CTTTCTCCCTGGTAGAAATTCAGTTCATCCTTTTCTCCTGGCTCATAACCCGTCAAGGCC-3'
Protein context (NP_078853.2, residues 284-304): KDELNFYQGE[Ser294=]IEIIGFVIPG

ClinVar aggregate classification (germline): Likely benign. Review status: criteria provided, multiple submitters, no conflicts (2 of 4 stars). 2 submissions from 2 submitters: Likely benign (2). Last evaluated 2026-06-23.

Conditions:
SH3TC2-related disorder. Also called: SH3TC2-related condition; SH3TC2-related disorders. Identifiers: MedGen CN239303.
Charcot-Marie-Tooth disease type 4. Also called: Charcot-Marie-Tooth, Type 4; Charcot-Marie-Tooth disease, type IV. Identifiers: Orphanet 64749, MedGen C4082197, MONDO:0018995.

Allele frequency attached by ClinVar (database versions not stated): gnomAD exomes below 0.00001; gnomAD 0.00003 and 0.00004.
gnomAD v4.1: 10 of 1,614,030 alleles (0.00062%); highest among the groups gnomAD compares: African/African-American, 0.0013%; no homozygotes.

Submissions (2):

PreventionGenetics, part of Exact Sciences
Classification: Likely benign for SH3TC2-related condition. Last evaluated: 2026-06-23. Review status: criteria provided, single submitter. Criteria: ACMG Guidelines, 2015. Collection method: clinical testing. Allele origin: germline.
Comment: This variant is classified as likely benign based on ACMG/AMP sequence variant interpretation guidelines (Richards et al. 2015 PMID: 25741868, with internal and published modifications).

Labcorp Genetics (formerly Invitae), Labcorp
Classification: Likely benign for Charcot-Marie-Tooth disease type 4. Last evaluated: 2024-11-02. Review status: criteria provided, single submitter. Criteria: Invitae Variant Classification Sherloc (09022015). Collection method: clinical testing. Allele origin: germline.